The following is an entry in ClinVar:

NM_001040716.2(PC):c.2880C>T (p.Pro960=)

Gene: PC (pyruvate carboxylase; minus strand). Cytogenetic location: 11q13.2.
Variant type: single nucleotide variant.
Coding change: c.2880C>T on transcript NM_001040716.2 (MANE Select); coding-DNA position 2880, C replaced by T.
Protein change: p.Pro960=; no amino-acid change (proline 960 retained).
Molecular consequence: synonymous variant.
Genome position (GRCh38, 1-based): chr11:66,849,955, G>A on the plus strand (C>T on the coding strand, the complement: PC is on the minus strand). VCF-style: chr11-66849955-G-A. GRCh37 (hg19) VCF-style: chr11-66617426-G-A.
Other names: c.2880C>T, p.Pro960= (NM_000920.4, NM_022172.3).
Identifiers: ClinVar variation 506863 (VCV000506863.8), dbSNP rs549991937, ClinGen allele CA6130954.

ClinVar aggregate classification (germline): Likely benign. Review status: criteria provided, multiple submitters, no conflicts (2 of 4 stars). 2 submissions from 2 submitters: Likely benign (2). Last evaluated 2025-11-16.

Conditions:
Pyruvate carboxylase deficiency. Also called: ATAXIA WITH LACTIC ACIDOSIS II; LEIGH NECROTIZING ENCEPHALOPATHY DUE TO PYRUVATE CARBOXYLASE DEFICIENCY; LEIGH SYNDROME DUE TO PYRUVATE CARBOXYLASE DEFICIENCY; PC DEFICIENCY; Pyruvate Carboxylase Deficiency Disease. Identifiers: Orphanet 3008, MedGen C0034341, MONDO:0009949, OMIM 266150.

Allele frequency attached by ClinVar (database versions not stated): gnomAD 0.00001 and 0.00003; TOPMed 0.00001; gnomAD exomes 0.00003 and 0.00006; ExAC 0.00006; 1000 Genomes Project 30x 0.00031; 1000 Genomes Project 0.00040.
gnomAD v4.1: 41 of 1,613,534 alleles (0.0025%); highest among the groups gnomAD compares: South Asian, 0.022%; no homozygotes.

Submissions (2):

Labcorp Genetics (formerly Invitae), Labcorp
Classification: Likely benign for Pyruvate carboxylase deficiency. Last evaluated: 2025-11-16. Review status: criteria provided, single submitter. Criteria: Invitae Variant Classification Sherloc (09022015). Collection method: clinical testing. Allele origin: germline.

GeneDx
Classification: Likely benign. Last evaluated: 2017-09-07. Review status: criteria provided, single submitter. Criteria: GeneDx Variant Classification (06012015). Collection method: clinical testing. Allele origin: germline. Affected: yes.
Comment: This variant is considered likely benign or benign based on one or more of the following criteria: it is a conservative change, it occurs at a poorly conserved position in the protein, it is predicted to be benign by multiple in silico algorithms, and/or has population frequency not consistent with disease.